The following is an entry in ClinVar:

NM_001378328.1(CELSR1):c.8384G>A (p.Arg2795Lys)

Gene: CELSR1 (cadherin EGF LAG seven-pass G-type receptor 1; minus strand). Cytogenetic location: 22q13.31.
Variant type: single nucleotide variant.
Coding change: c.8384G>A on transcript NM_001378328.1 (MANE Select); coding-DNA position 8384, G replaced by A.
Protein change: p.Arg2795Lys; replaces arginine 2795 with lysine.
Molecular consequence: missense variant.
Genome position (GRCh38, 1-based): chr22:46,365,606, C>T on the plus strand (G>A on the coding strand, the complement: CELSR1 is on the minus strand). VCF-style: chr22-46365606-C-T. GRCh37 (hg19) VCF-style: chr22-46761503-C-T.
Other names: c.8384G>A, p.Arg2795Lys (NM_014246.4); short protein forms R2795K.
Identifiers: ClinVar variation 4225235 (VCV004225235.2).

ClinVar aggregate classification (germline): Uncertain significance. Review status: criteria provided, multiple submitters, no conflicts (2 of 4 stars). 2 submissions from 2 submitters: Uncertain significance (2). Last evaluated 2025-06-23.

Conditions:
Lymphatic malformation 9. Identifiers: MedGen C5543365, MONDO:0030270, OMIM 619319.

gnomAD v4.1: 8 of 1,593,744 alleles (0.0005%); highest among the groups gnomAD compares: Admixed American, 0.01%; no homozygotes.

Submissions (2):

Ambry Genetics
Classification: Uncertain significance. Last evaluated: 2025-06-23. Review status: criteria provided, single submitter. Criteria: Ambry Variant Classification Scheme 2023. Collection method: clinical testing. Allele origin: germline.

Clinical Genomics Laboratory, Washington University in St. Louis
Classification: Uncertain significance for Lymphatic malformation 9. Last evaluated: 2025-06-05. Review status: criteria provided, single submitter. Criteria: ACMG Guidelines, 2015. Collection method: clinical testing. Allele origin: germline.
Comment: A CELSR1 c.8384G>A (p.Arg2795Lys) variant was identified at a near heterozygous allelic fraction of 49.9%, a frequency which may be consistent with germline origin. This variant, to our knowledge has not been reported in the medical literature. The CELSR1 c.8384G>A (p.Arg2795Lys) variant is observed in 8/1,593,744 alleles in the general population (gnomAD v4.1.0). Computational predictors suggest that this variant does not impact CELSR1 function. Due to limited information, and based on ACMG/AMP guidelines for variant interpretation (Richards S et al., PMID: 25741868), the clinical significance of the CELSR1 c.8384G>A (p.Arg2795Lys) variant is uncertain at this time.